The following is an entry in ClinVar:

ClinVar aggregate classification (germline): Likely benign. Review status: criteria provided, multiple submitters, no conflicts (2 of 4 stars). 3 submissions from 3 submitters: Likely benign (3). Last evaluated 2026-06-01.

Allele frequency attached by ClinVar (database versions not stated): 1000 Genomes Project 30x 0.00031; 1000 Genomes Project 0.00040; ESP Exome Variant Server 0.00048; gnomAD exomes 0.00084 and 0.00139; gnomAD 0.00090 and 0.00093; TOPMed 0.00091; ExAC 0.00101.
gnomAD v4.1: 2,120 of 1,605,442 alleles (0.13%); highest among the groups gnomAD compares: Non-Finnish European, 0.17%; 3 homozygotes.

Submissions (3):

CeGaT Center for Human Genetics Tuebingen
Classification: Likely benign. Last evaluated: 2026-06-01. Review status: criteria provided, single submitter. Criteria: CeGaT Center For Human Genetics Tuebingen Variant Classification Criteria Version 2. Collection method: clinical testing. Allele origin: germline. Affected: yes. Observed: 5 variant alleles.
Comment: TELO2: BP4, BP7

Labcorp Genetics (formerly Invitae), Labcorp
Classification: Likely benign. Last evaluated: 2026-01-26. Review status: criteria provided, single submitter. Criteria: Invitae Variant Classification Sherloc (09022015). Collection method: clinical testing. Allele origin: germline.

Breakthrough Genomics
Classification: Likely benign. Review status: criteria provided, single submitter. Criteria: ACMG Guidelines, 2015. Collection method: not provided. Allele origin: germline. Inheritance: Autosomal recessive inheritance. Affected: yes.

NM_016111.4(TELO2):c.1617G>A (p.Glu539=)

Gene: TELO2 (telomere maintenance 2; plus strand). Cytogenetic location: 16p13.3.
Variant type: single nucleotide variant.
Coding change: c.1617G>A on transcript NM_016111.4 (MANE Select); coding-DNA position 1617, G replaced by A.
Protein change: p.Glu539=; no amino-acid change (glutamic acid 539 retained).
Molecular consequence: synonymous variant.
Genome position (GRCh38, 1-based): chr16:1,502,368, G>A. VCF-style: chr16-1502368-G-A. GRCh37 (hg19) VCF-style: chr16-1552369-G-A.
Other names: c.1617G>A, p.Glu539= (NM_001351846.2).
Identifiers: ClinVar variation 791644 (VCV000791644.33), dbSNP rs375073875, ClinGen allele CA7812233.